The following is an entry in ClinVar:

ClinVar aggregate classification (germline): Conflicting classifications of pathogenicity. Review status: criteria provided, conflicting classifications (1 of 4 stars). 11 submissions from 11 submitters: Uncertain significance (6); Likely benign (3). 2 of the submissions do not count toward it. Last evaluated 2026-03-23.

Conditions:
Hereditary cancer-predisposing syndrome. Also called: Tumor predisposition; Neoplastic Syndromes, Hereditary; Hereditary Cancer Syndrome; Hereditary neoplastic syndrome. Identifiers: Orphanet 140162, MedGen C0027672, MeSH D009386, MONDO:0015356.
Hereditary breast ovarian cancer syndrome. Also called: Hereditary breast and ovarian cancer syndrome; Hereditary breast and ovarian cancer; BRCA1- and BRCA2-Associated Hereditary Breast and Ovarian Cancer; Hereditary breast and/or ovarian cancer syndrome; Hereditary breast and ovarian cancer syndrome (HBOC); Breast and ovarian cancer. Identifiers: Orphanet 145, MedGen C0677776, MeSH D061325, MONDO:0003582. Disease mechanism: loss of function.
Breast-ovarian cancer, familial, susceptibility to, 2 (BROVCA2). Also called: BRCA2 Hereditary Breast and Ovarian Cancer. Identifiers: Orphanet 145, MedGen C2675520, MONDO:0012933, OMIM 612555. Disease mechanism: loss of function.

Allele frequency attached by ClinVar (database versions not stated): gnomAD exomes 0.00001.
gnomAD v4.1: 9 of 1,614,036 alleles (0.00056%); highest among the groups gnomAD compares: Non-Finnish European, 0.00076%; no homozygotes.

Submissions (11):

Institute for Biomarker Research, Medical Diagnostic Laboratories, L.L.C.
Classification: Uncertain significance for Hereditary breast ovarian cancer syndrome. Last evaluated: 2026-03-23. Review status: criteria provided, single submitter. Criteria: ACMG Guidelines, 2015. Collection method: clinical testing. Allele origin: germline.
Comment: The missense variant NM_000059.4(BRCA2):c.3578C>T (p.Ala1193Val) has not been reported previously as a pathogenic variant nor as a benign variant, to our knowledge (Accession: VCV000096795.26). There is a small physicochemical difference between alanine and valine, which is not likely to impact secondary protein structure as these residues share similar properties.The p.Ala1193Val variant is not predicted to introduce a novel splice site by any splice site algorithm. The p.Ala1193Val missense variant is predicted to be tolerated by both SIFT or PolyPhen2. The nucleotide c.3578 in BRCA2 is not conserved according to a GERP++ and PhyloP analysis of 100 vertebrates. For these reasons, this variant has been classified as Uncertain Significance.

Labcorp Genetics (formerly Invitae), Labcorp
Classification: Uncertain significance for Hereditary breast ovarian cancer syndrome. Last evaluated: 2025-08-28. Review status: criteria provided, single submitter. Criteria: Invitae Variant Classification Sherloc (09022015). Collection method: clinical testing. Allele origin: germline.
Comment: This sequence change replaces alanine, which is neutral and non-polar, with valine, which is neutral and non-polar, at codon 1193 of the BRCA2 protein (p.Ala1193Val). This variant is not present in population databases (gnomAD no frequency). This variant has not been reported in the literature in individuals affected with BRCA2-related conditions. ClinVar contains an entry for this variant (Variation ID: 96795). Invitae Evidence Modeling of protein sequence and biophysical properties (such as structural, functional, and spatial information, amino acid conservation, physicochemical variation, residue mobility, and thermodynamic stability) indicates that this missense variant is not expected to disrupt BRCA2 protein function with a negative predictive value of 95%. In summary, the available evidence is currently insufficient to determine the role of this variant in disease. Therefore, it has been classified as a Variant of Uncertain Significance.

Ambry Genetics
Classification: Likely benign for Hereditary cancer-predisposing syndrome. Last evaluated: 2025-07-03. Review status: criteria provided, single submitter. Criteria: Ambry Variant Classification Scheme 2023. Collection method: clinical testing. Allele origin: germline.

Quest Diagnostics Nichols Institute San Juan Capistrano
Classification: Uncertain significance. Last evaluated: 2025-06-17. Review status: criteria provided, single submitter. Criteria: Quest Diagnostics criteria. Collection method: clinical testing. Allele origin: unknown.
Comment: The BRCA2 c.3578C>T (p.Ala1193Val) variant has been reported in the published literature to be located in a region of the BRCA2 gene that is tolerant to missense sequence changes (PMID: 31911673 (2020)). To the best of our knowledge, this variant has not been reported in individuals with BRCA2-related disorders. This variant has not been reported in large, multi-ethnic general populations (Genome Aggregation Database). Analysis of this variant using bioinformatics tools for the prediction of the effect of amino acid changes on protein structure and function yielded predictions that this variant is benign. Based on the available information, we are unable to determine the clinical significance of this variant.

Color Diagnostics, LLC DBA Color Health
Classification: Uncertain significance for Hereditary cancer-predisposing syndrome. Last evaluated: 2024-04-16. Review status: criteria provided, single submitter. Criteria: ACMG Guidelines, 2015. Collection method: clinical testing. Allele origin: germline.
Comment: This missense variant replaces alanine with valine at codon 1193 of the BRCA2 protein. Computational prediction suggests that this variant may not impact protein structure and function. To our knowledge, functional studies have not been reported for this variant. This variant has not been reported in individuals affected with hereditary cancer in the literature. This variant has not been identified in the general population by the Genome Aggregation Database (gnomAD). The available evidence is insufficient to determine the role of this variant in disease conclusively. Therefore, this variant is classified as a Variant of Uncertain Significance.

All of Us Research Program, National Institutes of Health
Classification: Uncertain significance for Breast-ovarian cancer, familial, susceptibility to, 2. Last evaluated: 2023-08-25. Review status: criteria provided, single submitter. Criteria: ACMG Guidelines, 2015. Collection method: clinical testing. Allele origin: germline. Inheritance: Autosomal dominant inheritance. Observed: 2 variant alleles, 2 heterozygotes.
Comment: This missense variant replaces alanine with valine at codon 1193 of the BRCA2 protein. Computational prediction suggests that this variant may not impact protein structure and function (internally defined REVEL score threshold <= 0.5, PMID: 27666373). To our knowledge, functional studies have not been reported for this variant. This variant has not been reported in individuals affected with hereditary cancer in the literature. This variant has not been identified in the general population by the Genome Aggregation Database (gnomAD). The available evidence is insufficient to determine the role of this variant in disease conclusively. Therefore, this variant is classified as a Variant of Uncertain Significance.

This study involves interpretation of variants in research participants for the purpose of population health screening. Participant phenotype was not available at the time of variant classification. Additional details can be found in publication PMID: 35346344, PMCID: PMC8962531

University of Washington Department of Laboratory Medicine, University of Washington
Classification: Likely benign for Hereditary cancer-predisposing syndrome. Last evaluated: 2023-03-23. Review status: criteria provided, single submitter. Criteria: Dines et al. (Genet Med. 2020). Collection method: curation. Allele origin: germline.
Comment: Missense variant in a coldspot region where missense variants are very unlikely to be pathogenic (PMID:31911673).

BRCA2 exon 11 coldspot. Reclassification based on statistical prior probability.

Women's Health and Genetics/Laboratory Corporation of America, LabCorp
Classification: Uncertain significance. Last evaluated: 2020-01-14. Review status: criteria provided, single submitter. Criteria: LabCorp Variant Classification Summary - May 2015. Collection method: clinical testing. Allele origin: germline.
Comment: Variant summary: BRCA2 c.3578C>T (p.Ala1193Val) results in a non-conservative amino acid change in the encoded protein sequence. Four of five in-silico tools predict a benign effect of the variant on protein function. The variant was absent in 251042 control chromosomes (gnomAD). The available data on variant occurrences in the general population are insufficient to allow any conclusion about variant significance. To our knowledge, no occurrence of c.3578C>T in individuals affected with Hereditary Breast and Ovarian Cancer and no experimental evidence demonstrating its impact on protein function have been reported. Three ClinVar submitters (evaluation after 2014) cite the variant as uncertain significance (n=2) or likely benign (n=1). Based on the evidence outlined above, the variant was classified as uncertain significance.

GeneDx
Classification: Likely benign. Last evaluated: 2016-04-25. Review status: criteria provided, single submitter. Criteria: GeneDx Variant Classification (06012015). Collection method: clinical testing. Allele origin: germline. Affected: yes.
Comment: This variant is considered likely benign or benign based on one or more of the following criteria: it is a conservative change, it occurs at a poorly conserved position in the protein, it is predicted to be benign by multiple in silico algorithms, and/or has population frequency not consistent with disease.

Sharing Clinical Reports Project (SCRP)
Classification: Uncertain significance for Breast-ovarian cancer, familial 2. Last evaluated: 2012-05-01. Review status: no assertion criteria provided. Collection method: clinical testing. Allele origin: germline. Not counted in ClinVar's aggregate classification.

Department of Pathology and Laboratory Medicine, Sinai Health System
Classification: Uncertain significance. Review status: no assertion criteria provided. Collection method: clinical testing. Allele origin: unknown. Affected: yes. Study: The Canadian Open Genetics Repository (COGR). Not counted in ClinVar's aggregate classification.
Comment: The BRCA2 p.Ala1193Val variant was not identified in the literature nor was it identified in the LOVD 3.0, or UMD-LSDB, databases. The variant was identified in dbSNP (ID: rs431825310) as "With Uncertain significance allele", and in ClinVar (classified as likely benign by GeneDx; as uncertain significance by Ambry Genetics and SCRP). The variant was not identified in the following control databases: the Exome Aggregation Consortium (August 8th 2016), or the Genome Aggregation Database (Feb 27, 2017). The p.Ala1193 residue is not conserved in mammals and computational analyses (PolyPhen-2, SIFT, AlignGVGD, BLOSUM, MutationTaster) do not suggest a high likelihood of impact to the protein; however, this information is not predictive enough to rule out pathogenicity. The variant occurs outside of the splicing consensus sequence and in silico or computational prediction software programs (SpliceSiteFinder, MaxEntScan, NNSPLICE, GeneSplicer) do not predict a difference in splicing. In summary, based on the above information the clinical significance of this variant cannot be determined with certainty at this time. This variant is classified as a variant of uncertain significance.

Literature cited by the submitters: PubMed 31911673 (cited by Quest Diagnostics Nichols Institute San Juan Capistrano).

NM_000059.4(BRCA2):c.3578C>T (p.Ala1193Val)

Gene: BRCA2 (BRCA2 DNA repair associated; plus strand). Cytogenetic location: 13q13.1.
Variant type: single nucleotide variant.
Coding change: c.3578C>T on transcript NM_000059.4 (MANE Select); coding-DNA position 3578, C replaced by T.
Protein change: p.Ala1193Val; replaces alanine 1193 with valine.
Molecular consequence: missense variant.
Genome position (GRCh38, 1-based): chr13:32,337,933, C>T. VCF-style: chr13-32337933-C-T. GRCh37 (hg19) VCF-style: chr13-32912070-C-T.
Other names: short protein forms A1193V.
Identifiers: ClinVar variation 96795 (VCV000096795.27), dbSNP rs431825310, ClinGen allele CA018374.